The following is an entry in ClinVar:

ClinVar aggregate classification (germline): Pathogenic (1 of 4 stars; one submission).

Allele frequency attached by ClinVar (database versions not stated): ExAC 0.00008; gnomAD 0.00001.
gnomAD v4.1: 16 of 1,614,094 alleles (0.00099%); highest among the groups gnomAD compares: East Asian, 0.031%; no homozygotes.

Submission:

Labcorp Genetics (formerly Invitae), Labcorp
Classification: Pathogenic. Last evaluated: 2025-08-07. Review status: criteria provided, single submitter. Criteria: Invitae Variant Classification Sherloc (09022015). Collection method: clinical testing. Allele origin: germline.
Comment: This sequence change creates a premature translational stop signal (p.Tyr1169*) in the TTC37 gene. It is expected to result in an absent or disrupted protein product. Loss-of-function variants in TTC37 are known to be pathogenic (PMID: 20176027, 21120949). This variant is present in population databases (rs774353983, gnomAD 0.08%). This premature translational stop signal has been observed in individual(s) with trichohepatoenteric syndrome (PMID: 25976726, 29527791). ClinVar contains an entry for this variant (Variation ID: 2734746). Algorithms developed to predict the effect of sequence changes on RNA splicing suggest that this variant may disrupt the consensus splice site. For these reasons, this variant has been classified as Pathogenic.

Literature cited by the submitters: PubMed 20176027; PubMed 21120949; PubMed 25976726; PubMed 29527791.

NM_014639.4(SKIC3):c.3507T>G (p.Tyr1169Ter)

Gene: SKIC3 (SKI3 subunit of superkiller complex; minus strand). Cytogenetic location: 5q15.
Variant type: single nucleotide variant.
Coding change: c.3507T>G on transcript NM_014639.4 (MANE Select); coding-DNA position 3507, T replaced by G.
Protein change: p.Tyr1169Ter; replaces tyrosine 1169 with a stop codon.
Molecular consequence: nonsense.
Genome position (GRCh38, 1-based): chr5:95,498,426, A>C on the plus strand (T>G on the coding strand, the complement: SKIC3 is on the minus strand). VCF-style: chr5-95498426-A-C. GRCh37 (hg19) VCF-style: chr5-94834130-A-C.
Other names: short protein forms Y1169*.
Identifiers: ClinVar variation 2734746 (VCV002734746.3), dbSNP rs774353983, ClinGen allele CA3346714.
Genomic context (GRCh38, chr5:95,498,426, plus strand): 5'-TTACCTGTGAACAGCTTTAGATATTTGTTTTTGCACAGCCACACTGCGGCCTTGGAGTGC[A>C]TAAATCGCTGATGTAAGAAGGCACCTCTGATAATTACTGTCTTTGTGTTTGATGTGCTTC-3'